The following is an entry in ClinVar:

ClinVar aggregate classification (germline): Uncertain significance (1 of 4 stars; one submission).

Conditions:
Autosomal recessive distal spinal muscular atrophy 1. Also called: SEVERE INFANTILE AXONAL NEUROPATHY WITH RESPIRATORY FAILURE; SPINAL MUSCULAR ATROPHY, DIAPHRAGMATIC; Spinal muscular atrophy with respiratory distress 1; NEURONOPATHY, DISTAL HEREDITARY MOTOR, HARDING TYPE VI; NEUROPATHY, DISTAL HEREDITARY MOTOR, AUTOSOMAL RECESSIVE 1; HMN VI. Identifiers: Orphanet 98920, MedGen C1858517, MONDO:0011436, OMIM 604320.
Charcot-Marie-Tooth disease axonal type 2S. Also called: CHARCOT-MARIE-TOOTH DISEASE, AXONAL, AUTOSOMAL RECESSIVE, TYPE 2S; CHARCOT-MARIE-TOOTH NEUROPATHY, TYPE 2S. Identifiers: Orphanet 443073, MedGen C4015349, MONDO:0014511, OMIM 616155.

Allele frequency attached by ClinVar (database versions not stated): gnomAD exomes below 0.00001 and 0.00001; TOPMed below 0.00001; ExAC 0.00002; ESP Exome Variant Server 0.00008.
gnomAD v4.1: 4 of 1,613,250 alleles (0.00025%); highest among the groups gnomAD compares: Non-Finnish European, 0.00025%; no homozygotes.

Submission:

Labcorp Genetics (formerly Invitae), Labcorp
Classification: Uncertain significance for Autosomal recessive distal spinal muscular atrophy 1; Charcot-Marie-Tooth disease axonal type 2S. Last evaluated: 2025-03-30. Review status: criteria provided, single submitter. Criteria: Invitae Variant Classification Sherloc (09022015). Collection method: clinical testing. Allele origin: germline.
Comment: This sequence change replaces glutamine, which is neutral and polar, with histidine, which is basic and polar, at codon 446 of the IGHMBP2 protein (p.Gln446His). The frequency data for this variant in the population databases is considered unreliable, as metrics indicate poor data quality at this position in the gnomAD database. This variant has not been reported in the literature in individuals affected with IGHMBP2-related conditions. ClinVar contains an entry for this variant (Variation ID: 966473). Invitae Evidence Modeling of protein sequence and biophysical properties (such as structural, functional, and spatial information, amino acid conservation, physicochemical variation, residue mobility, and thermodynamic stability) indicates that this missense variant is not expected to disrupt IGHMBP2 protein function with a negative predictive value of 95%. In summary, the available evidence is currently insufficient to determine the role of this variant in disease. Therefore, it has been classified as a Variant of Uncertain Significance.

NM_002180.3(IGHMBP2):c.1338G>T (p.Gln446His)

Gene: IGHMBP2 (immunoglobulin mu DNA binding protein 2; plus strand). Cytogenetic location: 11q13.3.
Variant type: single nucleotide variant.
Coding change: c.1338G>T on transcript NM_002180.3 (MANE Select); coding-DNA position 1338, G replaced by T.
Protein change: p.Gln446His; replaces glutamine 446 with histidine.
Molecular consequence: missense variant.
Genome position (GRCh38, 1-based): chr11:68,933,401, G>T. VCF-style: chr11-68933401-G-T. GRCh37 (hg19) VCF-style: chr11-68700869-G-T.
Other names: short protein forms Q446H.
Identifiers: ClinVar variation 966473 (VCV000966473.8), dbSNP rs149628807, ClinGen allele CA6153610.